The following is an entry in ClinVar:

ClinVar aggregate classification (germline): Likely benign. Review status: criteria provided, multiple submitters, no conflicts (2 of 4 stars). 2 submissions from 2 submitters: Likely benign (2). Last evaluated 2025-09-24.

Conditions:
Hereditary sensory and autonomic neuropathy with spastic paraplegia (HSNSP). Identifiers: Orphanet 139578, MedGen C1850395, MONDO:0009748, OMIM 256840.

Allele frequency attached by ClinVar (database versions not stated): gnomAD 0.00006 and 0.00027; TOPMed 0.00020; gnomAD exomes 0.00061; ExAC 0.00072; 1000 Genomes Project 30x 0.00141; 1000 Genomes Project 0.00180.
gnomAD v4.1: 722 of 1,614,198 alleles (0.045%); highest among the groups gnomAD compares: East Asian, 1.5%; 7 homozygotes.

Submissions (2):

Labcorp Genetics (formerly Invitae), Labcorp
Classification: Likely benign for Hereditary sensory and autonomic neuropathy with spastic paraplegia. Last evaluated: 2025-09-24. Review status: criteria provided, single submitter. Criteria: Invitae Variant Classification Sherloc (09022015). Collection method: clinical testing. Allele origin: germline.

Illumina Laboratory Services, Illumina
Classification: Likely benign for Hereditary sensory and autonomic neuropathy with spastic paraplegia. Last evaluated: 2018-01-12. Review status: criteria provided, single submitter. Criteria: ICSL Variant Classification Criteria 13 December 2019. Collection method: clinical testing. Allele origin: germline.
Comment: This variant was observed in the ICSL laboratory as part of a predisposition screen in an ostensibly healthy population. It had not been previously curated by ICSL or reported in the Human Gene Mutation Database (HGMD: prior to June 1st, 2018), and was therefore a candidate for classification through an automated scoring system. Utilizing variant allele frequency, disease prevalence and penetrance estimates, and inheritance mode, an automated score was calculated to assess if this variant is too frequent to cause the disease. Based on the score and internal cut-off values, a variant classified as likely benign is not then subjected to further curation. The score for this variant resulted in a classification of likely benign for this disease.

NM_012073.5(CCT5):c.1070G>A (p.Gly357Asp)

Gene: CCT5 (chaperonin containing TCP1 subunit 5; plus strand). Cytogenetic location: 5p15.2.
Variant type: single nucleotide variant.
Coding change: c.1070G>A on transcript NM_012073.5 (MANE Select); coding-DNA position 1070, G replaced by A.
Protein change: p.Gly357Asp; replaces glycine 357 with aspartic acid.
Molecular consequence: missense variant.
Genome position (GRCh38, 1-based): chr5:10,261,636, G>A. VCF-style: chr5-10261636-G-A. GRCh37 (hg19) VCF-style: chr5-10261748-G-A.
Other names: c.1007G>A, p.Gly336Asp (NM_001306153.1); c.905G>A, p.Gly302Asp (NM_001306154.2); c.791G>A, p.Gly264Asp (NM_001306155.2); c.956G>A, p.Gly319Asp (NM_001306156.2); short protein forms G357D, G302D, G319D, G264D, G336D.
Identifiers: ClinVar variation 350255 (VCV000350255.15), dbSNP rs143444882, ClinGen allele CA3198246.